The following is an entry in ClinVar:

NM_003737.4(DCHS1):c.8264G>A (p.Arg2755His)

Gene: DCHS1 (dachsous cadherin-related 1; minus strand). Cytogenetic location: 11p15.4.
Variant type: single nucleotide variant.
Coding change: c.8264G>A on transcript NM_003737.4 (MANE Select); coding-DNA position 8264, G replaced by A.
Protein change: p.Arg2755His; replaces arginine 2755 with histidine.
Molecular consequence: missense variant.
Genome position (GRCh38, 1-based): chr11:6,623,412, C>T on the plus strand (G>A on the coding strand, the complement: DCHS1 is on the minus strand). VCF-style: chr11-6623412-C-T. GRCh37 (hg19) VCF-style: chr11-6644643-C-T.
Other names: c.8264G>A (NM_003737.2); short protein forms R2755H.
Identifiers: ClinVar variation 596682 (VCV000596682.21), dbSNP rs141243126, ClinGen allele CA5859459.

ClinVar aggregate classification (germline): Conflicting classifications of pathogenicity. Review status: criteria provided, conflicting classifications (1 of 4 stars). 6 submissions from 6 submitters: Uncertain significance (2); Likely benign (3). 1 of the submissions does not count toward it. Last evaluated 2026-02-17.

Conditions:
Inborn genetic diseases. Identifiers: MedGen C0950123, MeSH D030342.
DCHS1-related disorder. Also called: DCHS1-related condition.

Allele frequency attached by ClinVar (database versions not stated): 1000 Genomes Project 30x 0.00031; 1000 Genomes Project 0.00040; ExAC 0.00044; gnomAD 0.00089 and 0.00099; TOPMed 0.00089; ESP Exome Variant Server 0.00108.

Submissions (6):

Women's Health and Genetics/Laboratory Corporation of America, LabCorp
Classification: Likely benign. Last evaluated: 2026-02-17. Review status: criteria provided, single submitter. Criteria: LabCorp Variant Classification Summary - May 2015. Collection method: clinical testing. Allele origin: germline.
Comment: Variant summary: DCHS1 c.8264G>A (p.Arg2755His) results in a non-conservative amino acid change in the encoded protein sequence. Algorithms developed to predict the effect of missense changes on protein structure and function are either unavailable or do not agree on the potential impact of this missense change. The variant allele was found at a frequency of 0.0002 in 212308 control chromosomes, predominantly at a frequency of 0.0027 within the African or African-American subpopulation in the gnomAD database. The observed variant frequency within African or African-American control individuals in the gnomAD database exceeds the estimated maximal expected allele frequency for disease-causing variants in DCHS1. To our knowledge, no occurrence of c.8264G>A in individuals affected with DCHS1-related conditions and no experimental evidence demonstrating its impact on protein function have been reported. ClinVar contains an entry for this variant (Variation ID: 596682). Based on the evidence outlined above, the variant was classified as likely benign.

Labcorp Genetics (formerly Invitae), Labcorp
Classification: Likely benign. Last evaluated: 2026-01-25. Review status: criteria provided, single submitter. Criteria: Invitae Variant Classification Sherloc (09022015). Collection method: clinical testing. Allele origin: germline.

GeneDx
Classification: Uncertain significance. Last evaluated: 2025-10-15. Review status: criteria provided, single submitter. Criteria: GeneDx Variant Classification Process June 2021. Collection method: clinical testing. Allele origin: germline. Affected: yes.
Comment: In silico analysis suggests that this missense variant does not alter protein structure/function; Has not been previously published as pathogenic or benign in association with neurodevelopmental disorders to our knowledge; This variant is associated with the following publications: (PMID: 28719003, 26740555)

Ambry Genetics
Classification: Likely benign for Inborn genetic diseases. Last evaluated: 2021-12-17. Review status: criteria provided, single submitter. Criteria: Ambry Variant Classification Scheme 2023. Collection method: clinical testing. Allele origin: germline.

Eurofins Ntd Llc (ga)
Classification: Uncertain significance. Last evaluated: 2018-03-22. Review status: criteria provided, single submitter. Criteria: EGL ClinVar v180209 classification definitions. Collection method: clinical testing. Allele origin: germline. Observed: 1 variant allele, 1 heterozygote.

PreventionGenetics, part of Exact Sciences
Classification: Likely benign for DCHS1-related condition. Last evaluated: 2022-02-28. Review status: no assertion criteria provided. Collection method: clinical testing. Allele origin: germline. Not counted in ClinVar's aggregate classification.
Comment: This variant is classified as likely benign based on ACMG/AMP sequence variant interpretation guidelines (Richards et al. 2015 PMID: 25741868, with internal and published modifications).